The following is an entry in ClinVar:

NM_001378030.1(CCDC78):c.553_554delinsTA (p.Thr185Ter)

Gene: CCDC78 (coiled-coil domain containing 78; minus strand). Cytogenetic location: 16p13.3.
Variant type: Indel.
Coding change: c.553_554delinsTA on transcript NM_001378030.1 (MANE Select); coding-DNA positions 553 to 554, AC replaced by TA.
Protein change: p.Thr185Ter; replaces threonine 185 with a stop codon.
Molecular consequence: nonsense. On other transcripts: missense variant (1), non-coding transcript variant (5).
Genome position (GRCh38, 1-based): chr16:725,084-725,085, GT replaced by TA on the plus strand (AC replaced by TA on the coding strand, the reverse complement: CCDC78 is on the minus strand). VCF-style: chr16-725084-GT-TA. GRCh37 (hg19) VCF-style: chr16-775084-GT-TA.
Other names: c.553_554delinsTA, p.Thr185Ter (NM_001031737.3, NM_001378031.1); c.191_192delinsTA, p.Asp64Val (NM_001378033.1); short protein forms T185*, D64V.
Identifiers: ClinVar variation 2810371 (VCV002810371.3), dbSNP rs2544031616, ClinGen allele CA2739269842.

ClinVar aggregate classification (germline): Uncertain significance (1 of 4 stars; one submission).

Conditions:
Congenital myopathy with internal nuclei and atypical cores. Also called: Myopathy, centronuclear, 4. Identifiers: Orphanet 319160, MedGen C4707232, MONDO:0013890, OMIM 614807.

Submission:

Labcorp Genetics (formerly Invitae), Labcorp
Classification: Uncertain significance for Congenital myopathy with internal nuclei and atypical cores. Last evaluated: 2022-11-03. Review status: criteria provided, single submitter. Criteria: Invitae Variant Classification Sherloc (09022015). Collection method: clinical testing. Allele origin: germline.
Comment: This sequence change creates a premature translational stop signal (p.Thr185*) in the CCDC78 gene. It is expected to result in an absent or disrupted protein product. However, the current clinical and genetic evidence is not sufficient to establish whether loss-of-function variants in CCDC78 cause disease. Information on the frequency of this variant in the gnomAD database is not available, as this variant may be reported differently in the database. This variant has not been reported in the literature in individuals affected with CCDC78-related conditions. In summary, the available evidence is currently insufficient to determine the role of this variant in disease. Therefore, it has been classified as a Variant of Uncertain Significance.